The following is an entry in ClinVar:

NM_000551.4(VHL):c.340+607A>G

Genes: VHL (von Hippel-Lindau tumor suppressor; plus strand), LOC107303340 (3p25 von Hippel-Lindau tumor suppressor, E3 ubiquitin protein ligase Alu-mediated recombination region; plus strand). Cytogenetic location: 3p25.3.
Variant type: single nucleotide variant.
Coding change: c.340+607A>G on transcript NM_000551.4 (MANE Select); 607 bases into the intron after coding-DNA position 340, A replaced by G.
Molecular consequence: intron variant. On other transcripts: synonymous variant (1).
Genome position (GRCh38, 1-based): chr3:10,142,794, A>G. VCF-style: chr3-10142794-A-G. GRCh37 (hg19) VCF-style: chr3-10184478-A-G.
Other names: c.372A>G, p.Val124= (NM_001354723.2); c.340+607A>G (NM_198156.3).
Identifiers: ClinVar variation 1436269 (VCV001436269.8), dbSNP rs2125125866, ClinGen allele CA2573136095.

ClinVar aggregate classification (germline): Uncertain significance (1 of 4 stars; one submission).

Conditions:
Chuvash polycythemia. Also called: POLYCYTHEMIA, VHL-DEPENDENT. Identifiers: Orphanet 238557, MedGen C1837915, MONDO:0009892, OMIM 263400.
Von Hippel-Lindau syndrome (VHLS). Also called: von Hippel–Lindau syndrome; Von Hippel-Lindau; VHL syndrome. Identifiers: Orphanet 892, MedGen C0019562, MONDO:0008667, OMIM 193300. Disease mechanism: loss of function.

Submission:

Labcorp Genetics (formerly Invitae), Labcorp
Classification: Uncertain significance for Von Hippel-Lindau syndrome; Chuvash polycythemia. Last evaluated: 2021-03-29. Review status: criteria provided, single submitter. Criteria: Invitae Variant Classification Sherloc (09022015). Collection method: clinical testing. Allele origin: germline.
Comment: In summary, the available evidence is currently insufficient to determine the role of this variant in disease. Therefore, it has been classified as a Variant of Uncertain Significance. Experimental studies and prediction algorithms are not available or were not evaluated, and the functional significance of this variant is currently unknown. This variant has not been reported in the literature in individuals with VHL-related conditions. The frequency data for this variant in the population databases is considered unreliable, as metrics indicate insufficient coverage at this position in the ExAC database. This sequence change falls in intron 1 of the VHL gene. It is not expected to change the encoded amino acid sequence of the VHL protein. However, this sequence change falls within a cryptic exon in the VHL gene, known as exon E1’, which is naturally expressed at low levels in several human tissues (PMID: 29891534).

Literature cited by the submitters: PubMed 29891534.